The following is an entry in ClinVar:

ClinVar aggregate classification (germline): Likely benign (1 of 4 stars; one submission).

Allele frequency attached by ClinVar (database versions not stated): ExAC 0.00038; 1000 Genomes Project 0.00060.

Submission:

CeGaT Center for Human Genetics Tuebingen
Classification: Likely benign. Last evaluated: 2023-11-01. Review status: criteria provided, single submitter. Criteria: CeGaT Center For Human Genetics Tuebingen Variant Classification Criteria Version 2. Collection method: clinical testing. Allele origin: germline. Affected: yes. Observed: 1 variant allele.
Comment: TUBB8B: BP4, BP7

NM_001358689.2(TUBB8B):c.321A>C (p.Thr107=)

Gene: TUBB8B (tubulin beta 8B; minus strand). Cytogenetic location: 18p11.32.
Variant type: single nucleotide variant.
Coding change: c.321A>C on transcript NM_001358689.2 (MANE Select); coding-DNA position 321, A replaced by C.
Protein change: p.Thr107=; no amino-acid change (threonine 107 retained).
Molecular consequence: synonymous variant. On other transcripts: intron variant (1).
Genome position (GRCh38, 1-based): chr18:48,404, T>G on the plus strand (A>C on the coding strand, the complement: TUBB8B is on the minus strand). VCF-style: chr18-48404-T-G. GRCh37 (hg19) VCF-style: chr18-48404-T-G.
Other names: c.105A>C, p.Thr35= (NM_001389609.1); c.369+44A>C (NM_001389610.1).
Identifiers: ClinVar variation 2672717 (VCV002672717.23), dbSNP rs571677689, ClinGen allele CA8865124.